The following is an entry in ClinVar:

ClinVar aggregate classification (germline): Pathogenic/Likely pathogenic. Review status: criteria provided, multiple submitters, no conflicts (2 of 4 stars). 2 submissions from 2 submitters: Pathogenic (1); Likely pathogenic (1). Last evaluated 2024-03-05.

Submissions (2):

GeneDx
Classification: Pathogenic. Last evaluated: 2024-03-05. Review status: criteria provided, single submitter. Criteria: GeneDx Variant Classification Process June 2021. Collection method: clinical testing. Allele origin: germline. Affected: yes.
Comment: Frameshift variant predicted to result in protein truncation or nonsense mediated decay in a gene for which loss of function is a known mechanism of disease; Not observed at significant frequency in large population cohorts (gnomAD); Has not been previously published as pathogenic or benign to our knowledge

CeGaT Center for Human Genetics Tuebingen
Classification: Likely pathogenic. Last evaluated: 2018-09-01. Review status: criteria provided, single submitter. Criteria: CeGaT Center For Human Genetics Tuebingen Variant Classification Criteria Version 2. Collection method: clinical testing. Allele origin: germline. Affected: yes. Observed: 3 variant alleles.

NM_002397.5(MEF2C):c.14del (p.Lys5fs)

Gene: MEF2C (myocyte enhancer factor 2C; minus strand). Cytogenetic location: 5q14.3.
Variant type: Deletion.
Coding change: c.14del on transcript NM_002397.5 (MANE Select); coding-DNA position 14, one base deleted (A; older notation c.14delA).
Protein change: p.Lys5fs; shifts the reading frame from lysine 5.
Molecular consequence: frameshift variant.
Genome position (GRCh38, 1-based): chr5:88,823,775, T deleted on the plus strand (A on the coding strand, the reverse complement: MEF2C is on the minus strand); the first of 6 consecutive T bases (chr5:88,823,775-88,823,780); deleting any one gives the same sequence. VCF-style (leftmost placement, unchanged base first): chr5-88823774-CT-C. GRCh37 (hg19) VCF-style: chr5-88119591-CT-C.
Other names: c.14del (NM_002397.3); c.14del, p.Lys5fs (NM_001131005.2, NM_001193347.1, NM_001193348.1 and 29 more transcripts); short protein forms K5fs.
Identifiers: ClinVar variation 624054 (VCV000624054.44), dbSNP rs1554150590, ClinGen allele CA913190032.